The following is an entry in ClinVar:

ClinVar aggregate classification (germline): Uncertain significance (1 of 4 stars; one submission).

Allele frequency attached by ClinVar (database versions not stated): TOPMed below 0.00001; ExAC 0.00001; gnomAD exomes 0.00001.

Submission:

Labcorp Genetics (formerly Invitae), Labcorp
Classification: Uncertain significance. Last evaluated: 2025-10-15. Review status: criteria provided, single submitter. Criteria: Invitae Variant Classification Sherloc (09022015). Collection method: clinical testing. Allele origin: germline.
Comment: This sequence change replaces lysine, which is basic and polar, with glutamic acid, which is acidic and polar, at codon 1464 of the SAMD9L protein (p.Lys1464Glu). This variant is present in population databases (rs763687130, gnomAD 0.0009%). This variant has not been reported in the literature in individuals affected with SAMD9L-related conditions. ClinVar contains an entry for this variant (Variation ID: 1413097). Invitae Evidence Modeling of protein sequence and biophysical properties (such as structural, functional, and spatial information, amino acid conservation, physicochemical variation, residue mobility, and thermodynamic stability) indicates that this missense variant is not expected to disrupt SAMD9L protein function with a negative predictive value of 80%. In summary, the available evidence is currently insufficient to determine the role of this variant in disease. Therefore, it has been classified as a Variant of Uncertain Significance.

NM_152703.5(SAMD9L):c.4390A>G (p.Lys1464Glu)

Gene: SAMD9L (sterile alpha motif domain containing 9 like; minus strand). Cytogenetic location: 7q21.2.
Variant type: single nucleotide variant.
Coding change: c.4390A>G on transcript NM_152703.5 (MANE Select); coding-DNA position 4390, A replaced by G.
Protein change: p.Lys1464Glu; replaces lysine 1464 with glutamic acid.
Molecular consequence: missense variant.
Genome position (GRCh38, 1-based): chr7:93,131,582, T>C on the plus strand (A>G on the coding strand, the complement: SAMD9L is on the minus strand). VCF-style: chr7-93131582-T-C. GRCh37 (hg19) VCF-style: chr7-92760895-T-C.
Other names: c.4390A>G, p.Lys1464Glu (NM_001303496.3, NM_001303497.3, NM_001303498.3 and 5 more transcripts); short protein forms K1464E.
Identifiers: ClinVar variation 1413097 (VCV001413097.6), dbSNP rs763687130, ClinGen allele CA4343311.